The following is an entry in ClinVar:

NM_000245.4(MET):c.790G>T (p.Val264Phe)

Gene: MET (MET proto-oncogene, receptor tyrosine kinase; plus strand). Cytogenetic location: 7q31.2.
Variant type: single nucleotide variant.
Coding change: c.790G>T on transcript NM_000245.4 (MANE Select); coding-DNA position 790, G replaced by T.
Protein change: p.Val264Phe; replaces valine 264 with phenylalanine.
Molecular consequence: missense variant. On other transcripts: intron variant (1).
Genome position (GRCh38, 1-based): chr7:116,699,874, G>T. VCF-style: chr7-116699874-G-T. GRCh37 (hg19) VCF-style: chr7-116339928-G-T.
Other names: c.790G>T, p.Val264Phe (NM_001127500.3, NM_001324401.3); c.-91+27297G>T (NM_001324402.2); short protein forms V264F.
Identifiers: ClinVar variation 1415877 (VCV001415877.6), dbSNP rs2116597936, ClinGen allele CA368969860.

ClinVar aggregate classification (germline): Uncertain significance (1 of 4 stars; one submission).

Conditions:
Renal cell carcinoma. Identifiers: Orphanet 217071, MedGen C0007134, MeSH D002292, MONDO:0005086, HP:0005584.

Submission:

Labcorp Genetics (formerly Invitae), Labcorp
Classification: Uncertain significance for Renal cell carcinoma. Last evaluated: 2021-10-02. Review status: criteria provided, single submitter. Criteria: Invitae Variant Classification Sherloc (09022015). Collection method: clinical testing. Allele origin: germline.
Comment: This sequence change replaces valine with phenylalanine at codon 264 of the MET protein (p.Val264Phe). The valine residue is highly conserved and there is a small physicochemical difference between valine and phenylalanine. This variant is not present in population databases (ExAC no frequency). This variant has not been reported in the literature in individuals affected with MET-related conditions. Algorithms developed to predict the effect of missense changes on protein structure and function are either unavailable or do not agree on the potential impact of this missense change (SIFT: "Deleterious"; PolyPhen-2: "Probably Damaging"; Align-GVGD: "Class C0"). In summary, the available evidence is currently insufficient to determine the role of this variant in disease. Therefore, it has been classified as a Variant of Uncertain Significance.